The following is an entry in ClinVar:

NM_015214.3(DDHD2):c.344G>A (p.Trp115Ter)

Gene: DDHD2 (DDHD domain containing 2; plus strand). Cytogenetic location: 8p11.23.
Variant type: single nucleotide variant.
Coding change: c.344G>A on transcript NM_015214.3 (MANE Select); coding-DNA position 344, G replaced by A.
Protein change: p.Trp115Ter; replaces tryptophan 115 with a stop codon.
Molecular consequence: nonsense. On other transcripts: non-coding transcript variant (2).
Genome position (GRCh38, 1-based): chr8:38,234,517, G>A. VCF-style: chr8-38234517-G-A. GRCh37 (hg19) VCF-style: chr8-38092035-G-A.
Other names: p.Trp115Ter; c.344G>A (NM_015214.2); c.344G>A, p.Trp115Ter (NM_001164232.2, NM_001164234.2, NM_001362911.2 and 3 more transcripts); short protein forms W115*.
Identifiers: ClinVar variation 3665854 (VCV003665854.3).

ClinVar aggregate classification (germline): Pathogenic. Review status: criteria provided, multiple submitters, no conflicts (2 of 4 stars). 2 submissions from 2 submitters: Pathogenic (2). Last evaluated 2026-05-14.

Conditions:
Hereditary spastic paraplegia 54. Also called: Spastic paraplegia 54, autosomal recessive. Identifiers: Orphanet 320380, MedGen C3539495, MONDO:0014018, OMIM 615033.

gnomAD v4.1: 5 of 1,613,068 alleles (0.00031%); highest among the groups gnomAD compares: South Asian, 0.0055%; no homozygotes.

Submissions (2):

Foundation for Research in Genetics and Endocrinology, FRIGE's Institute of Human Genetics
Classification: Pathogenic for Hereditary spastic paraplegia 54. Last evaluated: 2026-05-14. Review status: criteria provided, single submitter. Criteria: ACMG Guidelines, 2015. Collection method: clinical testing. Allele origin: germline. Inheritance: Autosomal recessive inheritance. Affected: yes. Observed: 1 variant allele, 1 homozygote.
Comment: A homozygous variant c.344G>A (p.Trp115Ter) in exon 3 of the DDHD2 gene was detected. This variant results in a premature termination codon at amino acid position 115. This variant has not been reported in the 1000 genomes and has a minor allele frequency of 0.0012% in the gnomAD database. The in-silico prediction of the variant is deleterious by MutationTaster. In summary, the variant meets our criteria to be classified as pathogenic.

Labcorp Genetics (formerly Invitae), Labcorp
Classification: Pathogenic for Hereditary spastic paraplegia 54. Last evaluated: 2024-09-16. Review status: criteria provided, single submitter. Criteria: Invitae Variant Classification Sherloc (09022015). Collection method: clinical testing. Allele origin: germline.
Comment: This sequence change creates a premature translational stop signal (p.Trp115*) in the DDHD2 gene. It is expected to result in an absent or disrupted protein product. Loss-of-function variants in DDHD2 are known to be pathogenic (PMID: 23176823, 23486545). This variant is present in population databases (rs745871510, gnomAD 0.007%). This variant has not been reported in the literature in individuals affected with DDHD2-related conditions. Algorithms developed to predict the effect of sequence changes on RNA splicing suggest that this variant may disrupt the consensus splice site. For these reasons, this variant has been classified as Pathogenic.

Literature cited by the submitters: PubMed 23176823 (cited by Labcorp Genetics (formerly Invitae), Labcorp); PubMed 23486545 (cited by Labcorp Genetics (formerly Invitae), Labcorp).